The following is an entry in ClinVar:

NM_016604.4(KDM3B):c.30C>G (p.Gly10=)

Genes: KDM3B (lysine demethylase 3B; plus strand), LOC129994737 (ATAC-STARR-seq lymphoblastoid silent region 16394; plus strand). Cytogenetic location: 5q31.2.
Variant type: single nucleotide variant.
Coding change: c.30C>G on transcript NM_016604.4 (MANE Select); coding-DNA position 30, C replaced by G.
Protein change: p.Gly10=; no amino-acid change (glycine 10 retained).
Molecular consequence: synonymous variant.
Genome position (GRCh38, 1-based): chr5:138,352,825, C>G. VCF-style: chr5-138352825-C-G. GRCh37 (hg19) VCF-style: chr5-137688514-C-G.
Identifiers: ClinVar variation 3257473 (VCV003257473.17).
Genomic context (GRCh38, chr5:138,352,825, plus strand): 5'-GGCGGGAGCGCGGGTCAGGCCGGCCCCGGCGATGGCGGACGCGGCGGCCTCCCCGGTGGG[C>G]AAGCGGCTGCTGCTGCTGTTCGCGGACACTGCGGCCTCAGCCTCGGCCTCGGCTCCCGCG-3'
Protein context (NP_057688.3, residues 1-20): MADAAASPV[Gly10=]KRLLLLFADT

ClinVar aggregate classification (germline): Likely benign (1 of 4 stars; one submission).

gnomAD v4.1: 1 of 1,340,668 alleles (0.000075%); highest among the groups gnomAD compares: Non-Finnish European, 0.000096%; no homozygotes.

Submission:

CeGaT Center for Human Genetics Tuebingen
Classification: Likely benign. Last evaluated: 2024-07-01. Review status: criteria provided, single submitter. Criteria: CeGaT Center For Human Genetics Tuebingen Variant Classification Criteria Version 2. Collection method: clinical testing. Allele origin: germline. Affected: yes. Observed: 1 variant allele.
Comment: KDM3B: PM2:Supporting, BP4, BP7